The following is an entry in ClinVar:

ClinVar aggregate classification (germline): Uncertain significance (1 of 4 stars; one submission).

Conditions:
Joubert syndrome 18 (JBTS18). Identifiers: Orphanet 2754, MedGen C3553758, MONDO:0013896, OMIM 614815.
Orofacial-digital syndrome IV (OFD4). Also called: Orofaciodigital syndrome IV; BARAITSER-BURN SYNDROME; OFD SYNDROME WITH TIBIAL DEFECTS; OFD SYNDROME, BARAITSER-BURN TYPE; OFDS IV; ORAL-FACIAL-DIGITAL SYNDROME, TYPE IV. Identifiers: Orphanet 2753, MedGen C0406727, MONDO:0009794, OMIM 258860.

Allele frequency attached by ClinVar (database versions not stated): gnomAD exomes 0.00001.
gnomAD v4.1: 3 of 1,552,160 alleles (0.00019%); highest among the groups gnomAD compares: Non-Finnish European, 0.00026%; no homozygotes.

Submission:

Labcorp Genetics (formerly Invitae), Labcorp
Classification: Uncertain significance for Joubert syndrome 18; Orofacial-digital syndrome IV. Last evaluated: 2022-07-14. Review status: criteria provided, single submitter. Criteria: Invitae Variant Classification Sherloc (09022015). Collection method: clinical testing. Allele origin: germline.
Comment: This sequence change replaces cysteine, which is neutral and slightly polar, with arginine, which is basic and polar, at codon 99 of the TCTN3 protein (p.Cys99Arg). This variant is not present in population databases (gnomAD no frequency). This variant has not been reported in the literature in individuals affected with TCTN3-related conditions. Algorithms developed to predict the effect of missense changes on protein structure and function are either unavailable or do not agree on the potential impact of this missense change (SIFT: "Deleterious"; PolyPhen-2: "Probably Damaging"; Align-GVGD: "Class C0"). In summary, the available evidence is currently insufficient to determine the role of this variant in disease. Therefore, it has been classified as a Variant of Uncertain Significance.

NM_015631.6(TCTN3):c.295T>C (p.Cys99Arg)

Gene: TCTN3 (tectonic family member 3; minus strand). Cytogenetic location: 10q24.1.
Variant type: single nucleotide variant.
Coding change: c.295T>C on transcript NM_015631.6 (MANE Select); coding-DNA position 295, T replaced by C.
Protein change: p.Cys99Arg; replaces cysteine 99 with arginine.
Molecular consequence: missense variant.
Genome position (GRCh38, 1-based): chr10:95,693,438, A>G on the plus strand (T>C on the coding strand, the complement: TCTN3 is on the minus strand). VCF-style: chr10-95693438-A-G. GRCh37 (hg19) VCF-style: chr10-97453195-A-G.
Other names: c.349T>C, p.Cys117Arg (NM_001013840.1); c.295T>C, p.Cys99Arg (NM_001143973.2, NM_001410982.1); short protein forms C117R, C99R.
Identifiers: ClinVar variation 1975162 (VCV001975162.2), dbSNP rs2492790965, ClinGen allele CA377712870.